The following is an entry in ClinVar:

NM_006593.4(TBR1):c.1353G>A (p.Ala451=)

Gene: TBR1 (T-box brain transcription factor 1; plus strand). Cytogenetic location: 2q24.2.
Variant type: single nucleotide variant.
Coding change: c.1353G>A on transcript NM_006593.4 (MANE Select); coding-DNA position 1353, G replaced by A.
Protein change: p.Ala451=; no amino-acid change (alanine 451 retained).
Molecular consequence: synonymous variant.
Genome position (GRCh38, 1-based): chr2:161,423,531, G>A. VCF-style: chr2-161423531-G-A. GRCh37 (hg19) VCF-style: chr2-162280042-G-A.
Identifiers: ClinVar variation 1675797 (VCV001675797.34), dbSNP rs759895872, ClinGen allele CA1930969.

ClinVar aggregate classification (germline): Likely benign. Review status: criteria provided, multiple submitters, no conflicts (2 of 4 stars). 2 submissions from 2 submitters: Likely benign (2). Last evaluated 2024-09-14.

gnomAD v4.1: 197 of 1,578,152 alleles (0.012%); highest among the groups gnomAD compares: Middle Eastern, 0.084%; no homozygotes.

Submissions (2):

Blueprint Genetics
Classification: Likely benign. Last evaluated: 2024-09-14. Review status: criteria provided, single submitter. Criteria: ACMG Guidelines, 2015. Collection method: clinical testing. Allele origin: germline.

CeGaT Center for Human Genetics Tuebingen
Classification: Likely benign. Last evaluated: 2023-01-01. Review status: criteria provided, single submitter. Criteria: CeGaT Center For Human Genetics Tuebingen Variant Classification Criteria Version 2. Collection method: clinical testing. Allele origin: germline. Affected: yes. Observed: 3 variant alleles.
Comment: TBR1: BP4, BP7